The following is an entry in ClinVar:

NM_000236.3(LIPC):c.1429C>T (p.Arg477Cys)

Gene: LIPC (lipase C, hepatic type; plus strand). Cytogenetic location: 15q21.3.
Variant type: single nucleotide variant.
Coding change: c.1429C>T on transcript NM_000236.3 (MANE Select); coding-DNA position 1429, C replaced by T.
Protein change: p.Arg477Cys; replaces arginine 477 with cysteine.
Molecular consequence: missense variant.
Genome position (GRCh38, 1-based): chr15:58,568,756, C>T. VCF-style: chr15-58568756-C-T. GRCh37 (hg19) VCF-style: chr15-58860955-C-T.
Other names: short protein forms R477C.
Identifiers: ClinVar variation 4749765 (VCV004749765.1).

ClinVar aggregate classification (germline): Uncertain significance (1 of 4 stars; one submission).

gnomAD v4.1: 43 of 1,611,332 alleles (0.0027%); highest among the groups gnomAD compares: African/African-American, 0.023%; no homozygotes.

Submission:

Labcorp Genetics (formerly Invitae), Labcorp
Classification: Uncertain significance. Last evaluated: 2025-05-15. Review status: criteria provided, single submitter. Criteria: Invitae Variant Classification Sherloc (09022015). Collection method: clinical testing. Allele origin: germline.
Comment: This sequence change replaces arginine, which is basic and polar, with cysteine, which is neutral and slightly polar, at codon 477 of the LIPC protein (p.Arg477Cys). This variant is present in population databases (rs147787771, gnomAD 0.02%). This missense change has been observed in individual(s) with suspected genetic dyslipidemia (PMID: 36325899). An algorithm developed to predict the effect of missense changes on protein structure and function (PolyPhen-2) suggests that this variant is likely to be disruptive. Algorithms developed to predict the effect of sequence changes on RNA splicing suggest that this variant may disrupt the consensus splice site. In summary, the available evidence is currently insufficient to determine the role of this variant in disease. Therefore, it has been classified as a Variant of Uncertain Significance.

Literature cited by the submitters: PubMed 36325899.